The following is an entry in ClinVar:

ClinVar aggregate classification (germline): Uncertain significance (1 of 4 stars; one submission).

Conditions:
Cardiovascular phenotype. Identifiers: MedGen CN230736.

gnomAD v4.1: 1 of 1,613,890 alleles (0.000062%); highest among the groups gnomAD compares: Non-Finnish European, 0.000085%; no homozygotes.

Submission:

Ambry Genetics
Classification: Uncertain significance for Cardiovascular phenotype. Last evaluated: 2024-03-27. Review status: criteria provided, single submitter. Criteria: Ambry Variant Classification Scheme 2023. Collection method: clinical testing. Allele origin: germline.
Comment: The p.G2578R variant (also known as c.7732G>C), located in coding exon 46 of the FLNC gene, results from a G to C substitution at nucleotide position 7732. The glycine at codon 2578 is replaced by arginine, an amino acid with dissimilar properties. This amino acid position is conserved. In addition, this alteration is predicted to be deleterious by in silico analysis. Based on the available evidence, the clinical significance of this alteration remains unclear.

NM_001458.5(FLNC):c.7732G>C (p.Gly2578Arg)

Genes: FLNC (filamin C; plus strand), FLNC-AS1 (FLNC antisense RNA 1; minus strand). Cytogenetic location: 7q32.1.
Variant type: single nucleotide variant.
Coding change: c.7732G>C on transcript NM_001458.5 (MANE Select); coding-DNA position 7732, G replaced by C.
Protein change: p.Gly2578Arg; replaces glycine 2578 with arginine.
Molecular consequence: missense variant.
Genome position (GRCh38, 1-based): chr7:128,857,288, G>C. VCF-style: chr7-128857288-G-C. GRCh37 (hg19) VCF-style: chr7-128497342-G-C.
Other names: c.7633G>C, p.Gly2545Arg (NM_001127487.2); short protein forms G2578R, G2545R.
Identifiers: ClinVar variation 3279205 (VCV003279205.1).